The following is an entry in ClinVar:

ClinVar aggregate classification (germline): Uncertain significance (1 of 4 stars; one submission).

Conditions:
Myofibrillar myopathy 5. Also called: FILAMINOPATHY, AUTOSOMAL DOMINANT; Filaminopathy (type). Identifiers: Orphanet 171445, MedGen C1836050, MONDO:0012289, OMIM 609524.
Hypertrophic cardiomyopathy 26. Also called: Cardiomyopathy, familial hypertrophic, 26. Identifiers: Orphanet 75249, MedGen C4310749, MONDO:0014883, OMIM 617047.
Distal myopathy with posterior leg and anterior hand involvement. Also called: WILLIAMS DISTAL MYOPATHY. Identifiers: Orphanet 63273, MedGen C3279722, MONDO:0013550, OMIM 614065.

Submission:

Labcorp Genetics (formerly Invitae), Labcorp
Classification: Uncertain significance for Distal myopathy with posterior leg and anterior hand involvement; Myofibrillar myopathy 5; Hypertrophic cardiomyopathy 26. Last evaluated: 2024-02-13. Review status: criteria provided, single submitter. Criteria: Invitae Variant Classification Sherloc (09022015). Collection method: clinical testing. Allele origin: germline.
Comment: This sequence change replaces glycine, which is neutral and non-polar, with alanine, which is neutral and non-polar, at codon 1583 of the FLNC protein (p.Gly1583Ala). This variant is not present in population databases (gnomAD no frequency). This variant has not been reported in the literature in individuals affected with FLNC-related conditions. Advanced modeling of protein sequence and biophysical properties (such as structural, functional, and spatial information, amino acid conservation, physicochemical variation, residue mobility, and thermodynamic stability) has been performed at Invitae for this missense variant, however the output from this modeling did not meet the statistical confidence thresholds required to predict the impact of this variant on FLNC protein function. In summary, the available evidence is currently insufficient to determine the role of this variant in disease. Therefore, it has been classified as a Variant of Uncertain Significance.

NM_001458.5(FLNC):c.4748G>C (p.Gly1583Ala)

Gene: FLNC (filamin C; plus strand). Cytogenetic location: 7q32.1.
Variant type: single nucleotide variant.
Coding change: c.4748G>C on transcript NM_001458.5 (MANE Select); coding-DNA position 4748, G replaced by C.
Protein change: p.Gly1583Ala; replaces glycine 1583 with alanine.
Molecular consequence: missense variant.
Genome position (GRCh38, 1-based): chr7:128,848,803, G>C. VCF-style: chr7-128848803-G-C. GRCh37 (hg19) VCF-style: chr7-128488857-G-C.
Other names: c.4748G>C, p.Gly1583Ala (NM_001127487.2); short protein forms G1583A.
Identifiers: ClinVar variation 2922390 (VCV002922390.3), dbSNP rs2536648646, ClinGen allele CA369202900.
Genomic context (GRCh38, chr7:128,848,803, plus strand): 5'-CAGGTCATGCTCCAGGCACAGGCGGGCCTTGACCTCTGCTTCTCCCTCAGGACCCCGAGG[G>C]TAAGCCCAAGAAGGCCAACATCCGGGACAATGGGGATGGCACGTACACTGTGTCCTACCT-3'
Protein context (NP_001449.3, residues 1573-1593): LLTVQILDPE[Gly1583Ala]KPKKANIRDN